The following is an entry in ClinVar:

ClinVar aggregate classification (germline): Uncertain significance (1 of 4 stars; one submission).

Submission:

Labcorp Genetics (formerly Invitae), Labcorp
Classification: Uncertain significance. Last evaluated: 2019-09-08. Review status: criteria provided, single submitter. Criteria: Invitae Variant Classification Sherloc (09022015). Collection method: clinical testing. Allele origin: germline.
Comment: The current clinical and genetic evidence is not sufficient to establish whether loss-of-function variants in CTR9 cause disease. This sequence change creates a premature translational stop signal (p.Lys956Argfs*48) in the CTR9 gene. It is expected to result in an absent or disrupted protein product. This variant is not present in population databases (ExAC no frequency). This variant has not been reported in the literature in individuals with CTR9-related conditions. In summary, the available evidence is currently insufficient to determine the role of this variant in disease. Therefore, it has been classified as a Variant of Uncertain Significance.

NM_014633.5(CTR9):c.2867_2870del (p.Lys956fs)

Gene: CTR9 (CTR9 component of Paf1/RNA polymerase II complex; plus strand). Cytogenetic location: 11p15.4.
Variant type: Microsatellite.
Coding change: c.2867_2870del on transcript NM_014633.5 (MANE Select); coding-DNA positions 2867 to 2870, 4 bases deleted (AGAA; older notation c.2867_2870delAGAA).
Protein change: p.Lys956fs; shifts the reading frame from lysine 956.
Molecular consequence: frameshift variant.
Genome position (GRCh38, 1-based): chr11:10,774,151-10,774,154, AGAA deleted; deleting any 4 consecutive bases within chr11:10,774,147-10,774,154 gives the same sequence; the c. name uses the placement nearest the transcript's 3' end. VCF-style (leftmost placement, unchanged base first): chr11-10774146-GAGAA-G. GRCh37 (hg19) VCF-style: chr11-10795693-GAGAA-G.
Other names: c.2795_2798del, p.Lys932fs (NM_001346279.2); short protein forms K932fs, K956fs.
Identifiers: ClinVar variation 956344 (VCV000956344.7), dbSNP rs1863191798, ClinGen allele CA1952047177.